The following is an entry in ClinVar:

ClinVar aggregate classification (germline): Uncertain significance (1 of 4 stars; one submission).

Allele frequency attached by ClinVar (database versions not stated): TOPMed 0.00001; gnomAD 0.00005.
gnomAD v4.1: 130 of 1,606,640 alleles (0.0081%); highest among the groups gnomAD compares: South Asian, 0.13%; 1 homozygote.

Submission:

Labcorp Genetics (formerly Invitae), Labcorp
Classification: Uncertain significance. Last evaluated: 2022-08-12. Review status: criteria provided, single submitter. Criteria: Invitae Variant Classification Sherloc (09022015). Collection method: clinical testing. Allele origin: germline.
Comment: This sequence change replaces asparagine, which is neutral and polar, with lysine, which is basic and polar, at codon 452 of the FAN1 protein (p.Asn452Lys). This variant is present in population databases (rs745320524, gnomAD 0.1%). This variant has not been reported in the literature in individuals affected with FAN1-related conditions. Algorithms developed to predict the effect of missense changes on protein structure and function (SIFT, PolyPhen-2, Align-GVGD) all suggest that this variant is likely to be tolerated. In summary, the available evidence is currently insufficient to determine the role of this variant in disease. Therefore, it has been classified as a Variant of Uncertain Significance.

NM_014967.5(FAN1):c.1356T>G (p.Asn452Lys)

Gene: FAN1 (FANCD2 and FANCI associated nuclease 1; plus strand). Cytogenetic location: 15q13.3.
Variant type: single nucleotide variant.
Coding change: c.1356T>G on transcript NM_014967.5 (MANE Select); coding-DNA position 1356, T replaced by G.
Protein change: p.Asn452Lys; replaces asparagine 452 with lysine.
Molecular consequence: missense variant.
Genome position (GRCh38, 1-based): chr15:30,908,239, T>G. VCF-style: chr15-30908239-T-G. GRCh37 (hg19) VCF-style: chr15-31200442-T-G.
Other names: c.1356T>G, p.Asn452Lys (NM_001146094.2, NM_001146095.1, NM_001146096.2); short protein forms N452K.
Identifiers: ClinVar variation 1905434 (VCV001905434.2), dbSNP rs745320524, ClinGen allele CA7450271.